The following is an entry in ClinVar:

ClinVar aggregate classification (germline): Uncertain significance. Review status: criteria provided, multiple submitters, no conflicts (2 of 4 stars). 2 submissions from 2 submitters: Uncertain significance (2). Last evaluated 2023-12-12.

Conditions:
Inborn genetic diseases. Identifiers: MedGen C0950123, MeSH D030342.

Allele frequency attached by ClinVar (database versions not stated): gnomAD exomes 0.00001; TOPMed 0.00004; gnomAD 0.00008; 1000 Genomes Project 30x 0.00016; 1000 Genomes Project 0.00020.

Submissions (2):

Ambry Genetics
Classification: Uncertain significance for Inborn genetic diseases. Last evaluated: 2023-12-12. Review status: criteria provided, single submitter. Criteria: Ambry Variant Classification Scheme 2023. Collection method: clinical testing. Allele origin: germline.

Labcorp Genetics (formerly Invitae), Labcorp
Classification: Uncertain significance. Last evaluated: 2023-05-27. Review status: criteria provided, single submitter. Criteria: Invitae Variant Classification Sherloc (09022015). Collection method: clinical testing. Allele origin: germline.
Comment: In summary, the available evidence is currently insufficient to determine the role of this variant in disease. Therefore, it has been classified as a Variant of Uncertain Significance. Algorithms developed to predict the effect of missense changes on protein structure and function output the following: SIFT: "Not Available"; PolyPhen-2: "Benign"; Align-GVGD: "Not Available". The valine amino acid residue is found in multiple mammalian species, which suggests that this missense change does not adversely affect protein function. This variant has not been reported in the literature in individuals affected with CDT1-related conditions. The frequency data for this variant in the population databases is considered unreliable, as metrics indicate poor data quality at this position in the gnomAD database. This sequence change replaces alanine, which is neutral and non-polar, with valine, which is neutral and non-polar, at codon 534 of the CDT1 protein (p.Ala534Val).

NM_030928.4(CDT1):c.1601C>T (p.Ala534Val)

Gene: CDT1 (chromatin licensing and DNA replication factor 1; plus strand). Cytogenetic location: 16q24.3.
Variant type: single nucleotide variant.
Coding change: c.1601C>T on transcript NM_030928.4 (MANE Select); coding-DNA position 1601, C replaced by T.
Protein change: p.Ala534Val; replaces alanine 534 with valine.
Molecular consequence: missense variant.
Genome position (GRCh38, 1-based): chr16:88,808,238, C>T. VCF-style: chr16-88808238-C-T. GRCh37 (hg19) VCF-style: chr16-88874646-C-T.
Other names: c.1601C>T (NM_030928.3); short protein forms A534V.
Identifiers: ClinVar variation 3016396 (VCV003016396.4), dbSNP rs186133926, ClinGen allele CA8234258.